The following is an entry in ClinVar:

ClinVar aggregate classification (germline): Uncertain significance. Review status: criteria provided, multiple submitters, no conflicts (2 of 4 stars). 2 submissions from 2 submitters: Uncertain significance (2). Last evaluated 2025-01-29.

Conditions:
Inborn genetic diseases. Identifiers: MedGen C0950123, MeSH D030342.
Short-rib thoracic dysplasia 6 with or without polydactyly (SRTD6). Also called: Majewski Syndrome; SHORT-RIB THORACIC DYSPLASIA 6 WITH POLYDACTYLY; SHORT-RIB THORACIC DYSPLASIA 6 WITHOUT POLYDACTYLY; SHORT RIB-POLYDACTYLY SYNDROME, TYPE IIA; POLYDACTYLY WITH NEONATAL CHONDRODYSTROPHY, TYPE II. Identifiers: MedGen C0024507, MONDO:0009894, OMIM 263520.

Submissions (2):

Labcorp Genetics (formerly Invitae), Labcorp
Classification: Uncertain significance for Short-rib thoracic dysplasia 6 with or without polydactyly. Last evaluated: 2025-01-29. Review status: criteria provided, single submitter. Criteria: Invitae Variant Classification Sherloc (09022015). Collection method: clinical testing. Allele origin: germline.
Comment: This sequence change replaces proline, which is neutral and non-polar, with serine, which is neutral and polar, at codon 268 of the NEK1 protein (p.Pro268Ser). This variant is not present in population databases (gnomAD no frequency). This variant has not been reported in the literature in individuals affected with NEK1-related conditions. ClinVar contains an entry for this variant (Variation ID: 3404178). Invitae Evidence Modeling of protein sequence and biophysical properties (such as structural, functional, and spatial information, amino acid conservation, physicochemical variation, residue mobility, and thermodynamic stability) indicates that this missense variant is not expected to disrupt NEK1 protein function with a negative predictive value of 95%. In summary, the available evidence is currently insufficient to determine the role of this variant in disease. Therefore, it has been classified as a Variant of Uncertain Significance.

Ambry Genetics
Classification: Uncertain significance for Inborn genetic diseases. Last evaluated: 2024-11-08. Review status: criteria provided, single submitter. Criteria: Ambry Variant Classification Scheme 2023. Collection method: clinical testing. Allele origin: germline.

NM_001199397.3(NEK1):c.802C>T (p.Pro268Ser)

Gene: NEK1 (NIMA related kinase 1; minus strand). Cytogenetic location: 4q33.
Variant type: single nucleotide variant.
Coding change: c.802C>T on transcript NM_001199397.3 (MANE Select); coding-DNA position 802, C replaced by T.
Protein change: p.Pro268Ser; replaces proline 268 with serine.
Molecular consequence: missense variant. On other transcripts: non-coding transcript variant (2).
Genome position (GRCh38, 1-based): chr4:169,585,354, G>A on the plus strand (C>T on the coding strand, the complement: NEK1 is on the minus strand). VCF-style: chr4-169585354-G-A. GRCh37 (hg19) VCF-style: chr4-170506505-G-A.
Other names: c.802C>T, p.Pro268Ser (NM_001199398.3, NM_001199399.3, NM_001199400.3 and 7 more transcripts); short protein forms P268S.
Identifiers: ClinVar variation 3404178 (VCV003404178.3).